The following is an entry in ClinVar:

ClinVar aggregate classification (germline): Benign. Review status: criteria provided, multiple submitters, no conflicts (2 of 4 stars). 6 submissions from 6 submitters: Benign (6). Last evaluated 2026-02-02.

Conditions:
B4GALT1-congenital disorder of glycosylation. Also called: CDG IId; CONGENITAL DISORDER OF GLYCOSYLATION, TYPE IId; B4GALT1-CDG. Identifiers: Orphanet 79332, MedGen C2931009, MONDO:0011772, OMIM 607091.

Allele frequency attached by ClinVar (database versions not stated): 1000 Genomes Project 30x 0.04638; 1000 Genomes Project 0.04732; TOPMed 0.05474; ExAC 0.05777; gnomAD 0.05789 and 0.05834; ESP Exome Variant Server 0.05659; gnomAD exomes 0.05667 and 0.06553.
gnomAD v4.1: 104,628 of 1,614,124 alleles (6.5%); highest among the groups gnomAD compares: East Asian, 7.2%; 3,551 homozygotes.

Submissions (6):

Labcorp Genetics (formerly Invitae), Labcorp
Classification: Benign. Last evaluated: 2026-02-02. Review status: criteria provided, single submitter. Criteria: Invitae Variant Classification Sherloc (09022015). Collection method: clinical testing. Allele origin: germline.

Genome-Nilou Lab
Classification: Benign for B4GALT1-congenital disorder of glycosylation. Last evaluated: 2021-07-14. Review status: criteria provided, single submitter. Criteria: ACMG Guidelines, 2015. Collection method: clinical testing. Allele origin: germline. Affected: no.

Mayo Clinic Laboratories, Mayo Clinic
Classification: Benign. Last evaluated: 2019-01-02. Review status: criteria provided, single submitter. Criteria: ACMG Guidelines, 2015. Collection method: clinical testing. Allele origin: germline. Observed: 10 variant alleles.

GeneDx
Classification: Benign. Last evaluated: 2015-12-21. Review status: criteria provided, single submitter. Criteria: GeneDx Variant Classification (06012015). Collection method: clinical testing. Allele origin: germline. Affected: yes.
Comment: This variant is considered likely benign or benign based on one or more of the following criteria: it is a conservative change, it occurs at a poorly conserved position in the protein, it is predicted to be benign by multiple in silico algorithms, and/or has population frequency not consistent with disease.

Eurofins Ntd Llc (ga)
Classification: Benign. Last evaluated: 2012-09-07. Review status: criteria provided, single submitter. Criteria: EGL Classification Definitions 2015. Collection method: clinical testing. Allele origin: germline. Observed: 10 variant alleles, 9 heterozygotes, 1 homozygote.

Breakthrough Genomics
Classification: Benign. Review status: criteria provided, single submitter. Criteria: ACMG Guidelines, 2015. Collection method: not provided. Allele origin: germline. Inheritance: Autosomal recessive inheritance. Affected: yes.

NM_001497.4(B4GALT1):c.597C>T (p.His199=)

Gene: B4GALT1 (beta-1,4-galactosyltransferase 1; minus strand). Cytogenetic location: 9p21.1.
Variant type: single nucleotide variant.
Coding change: c.597C>T on transcript NM_001497.4 (MANE Select); coding-DNA position 597, C replaced by T.
Protein change: p.His199=; no amino-acid change (histidine 199 retained).
Molecular consequence: synonymous variant.
Genome position (GRCh38, 1-based): chr9:33,135,240, G>A on the plus strand (C>T on the coding strand, the complement: B4GALT1 is on the minus strand). VCF-style: chr9-33135240-G-A. GRCh37 (hg19) VCF-style: chr9-33135238-G-A.
Other names: p.His199=; c.558C>T, p.His186= (NM_001378495.1); c.597C>T, p.His199= (NM_001378496.1, NM_001378497.1).
Identifiers: ClinVar variation 93779 (VCV000093779.17), dbSNP rs1065765, ClinGen allele CA147285.